The following is an entry in ClinVar:

ClinVar aggregate classification (germline): Pathogenic. Review status: criteria provided, multiple submitters, no conflicts (2 of 4 stars). 2 submissions from 2 submitters: Pathogenic (2). Last evaluated 2024-12-19.

Conditions:
Episodic kinesigenic dyskinesia (EKD). Also called: Paroxysmal kinesigenic dyskinesia. Identifiers: Orphanet 98809, MedGen C1868682, MONDO:0044202.
Inborn genetic diseases. Identifiers: MedGen C0950123, MeSH D030342.

Submissions (2):

Ambry Genetics
Classification: Pathogenic for Inborn genetic diseases. Last evaluated: 2024-12-19. Review status: criteria provided, single submitter. Criteria: Ambry Variant Classification Scheme 2023. Collection method: clinical testing. Allele origin: germline.
Comment: The c.921delG (p.Q307Hfs*6) alteration, located in exon 3 (coding exon 2) of the PRRT2 gene, consists of a deletion of one nucleotide at position 921, causing a translational frameshift with a predicted alternate stop codon after 6 amino acids. This alteration is expected to result in loss of function by premature protein truncation or nonsense-mediated mRNA decay. This variant was not reported in population-based cohorts in the Genome Aggregation Database (gnomAD). Based on the available evidence, this alteration is classified as pathogenic.

Labcorp Genetics (formerly Invitae), Labcorp
Classification: Pathogenic for Episodic kinesigenic dyskinesia. Last evaluated: 2019-10-08. Review status: criteria provided, single submitter. Criteria: Invitae Variant Classification Sherloc (09022015). Collection method: clinical testing. Allele origin: germline.
Comment: Loss-of-function variants in PRRT2 are known to be pathogenic (PMID: 22623405, 22744660). This variant has not been reported in the literature in individuals with PRRT2-related conditions. This variant is not present in population databases (ExAC no frequency). This sequence change creates a premature translational stop signal (p.Gln307Hisfs*6) in the PRRT2 gene. It is expected to result in an absent or disrupted protein product. For these reasons, this variant has been classified as Pathogenic.

Literature cited by the submitters: PubMed 22623405 (cited by Labcorp Genetics (formerly Invitae), Labcorp); PubMed 22744660 (cited by Labcorp Genetics (formerly Invitae), Labcorp).

NM_145239.3(PRRT2):c.921del (p.Gln307fs)

Genes: MVP-DT (MVP divergent transcript; minus strand), PRRT2 (proline rich transmembrane protein 2; plus strand). Cytogenetic location: 16p11.2.
Variant type: Deletion.
Coding change: c.921del on transcript NM_145239.3 (MANE Select); coding-DNA position 921, one base deleted (G; older notation c.921delG).
Protein change: p.Gln307fs; shifts the reading frame from glutamine 307.
Molecular consequence: frameshift variant. On other transcripts: 3 prime UTR variant (1).
Genome position (GRCh38, 1-based): chr16:29,814,374, G deleted. VCF-style (leftmost placement, unchanged base first): chr16-29814373-AG-A. GRCh37 (hg19) VCF-style: chr16-29825694-AG-A.
Other names: c.921del, p.Gln307fs (NM_001256442.2); c.*420del (NM_001256443.2); c.921delG (NM_145239.2); short protein forms Q307fs.
Identifiers: ClinVar variation 964450 (VCV000964450.9), dbSNP rs1900137777, ClinGen allele CA1139664647.